The following is an entry in ClinVar:

NM_000255.4(MMUT):c.401T>A (p.Leu134Ter)

Gene: MMUT (methylmalonyl-CoA mutase; minus strand). Cytogenetic location: 6p12.3.
Variant type: single nucleotide variant.
Coding change: c.401T>A on transcript NM_000255.4 (MANE Select); coding-DNA position 401, T replaced by A.
Protein change: p.Leu134Ter; replaces leucine 134 with a stop codon.
Molecular consequence: nonsense.
Genome position (GRCh38, 1-based): chr6:49,458,043, A>T on the plus strand (T>A on the coding strand, the complement: MMUT is on the minus strand). VCF-style: chr6-49458043-A-T. GRCh37 (hg19) VCF-style: chr6-49425756-A-T.
Other names: c.401T>A (NM_000255.3); short protein forms L134*.
Identifiers: ClinVar variation 984272 (VCV000984272.4), dbSNP rs1767739242, ClinGen allele CA364404805.

ClinVar aggregate classification (germline): Likely pathogenic. Review status: criteria provided, multiple submitters, no conflicts (2 of 4 stars). 2 submissions from 2 submitters: Likely pathogenic (2). Last evaluated 2025-11-12.

Conditions:
Methylmalonic aciduria due to complete methylmalonyl-CoA mutase deficiency.
Methylmalonic aciduria due to methylmalonyl-CoA mutase deficiency (MAMM). Also called: Methylmalonic aciduria, mut type. Identifiers: Orphanet 27, MedGen C1855114, MONDO:0009612, OMIM 251000.

Submissions (2):

Natera, Inc.
Classification: Likely pathogenic for Methylmalonic aciduria due to complete methylmalonyl-CoA mutase deficiency. Last evaluated: 2025-11-12. Review status: criteria provided, single submitter. Criteria: Natera Variant Classification Schema (03/2026). Collection method: clinical testing. Allele origin: germline.
Comment: The c.401T>A variant in MMUT is a nonsense variant predicted to introduce a stop codon at amino acid 134. This variant is expected to result in nonsense mediated decay, truncation, or a dysfunctional protein product. This variant is rare in the general population with a frequency below the threshold expected for the associated phenotype(s). Given the available evidence, this variant is classified as Likely Pathogenic.

Myriad Genetics, Inc.
Classification: Likely pathogenic for Methylmalonic aciduria due to methylmalonyl-CoA mutase deficiency. Last evaluated: 2019-05-22. Review status: criteria provided, single submitter. Criteria: Myriad Women's Health Autosomal Recessive and X-Linked Classification Criteria (2019). Collection method: clinical testing. Allele origin: unknown.
Comment: NM_000255.3(MUT):c.401T>A(L134*) is expected to be pathogenic in the context of MUT-related methylmalonic acidemia. This variant is predicted to lead to an abnormal or absent protein product due to the creation of a premature termination codon in MUT, a gene where loss-of-function variants are known to be pathogenic. Please note: this variant was assessed in the context of healthy population screening.